The following is an entry in ClinVar:

ClinVar aggregate classification (germline): Uncertain significance (1 of 4 stars; one submission).

Allele frequency attached by ClinVar (database versions not stated): gnomAD exomes below 0.00001; gnomAD 0.00001.
gnomAD v4.1: 2 of 1,613,500 alleles (0.00012%); highest among the groups gnomAD compares: African/African-American, 0.0027%; no homozygotes.

Submission:

GeneDx
Classification: Uncertain significance. Last evaluated: 2021-04-16. Review status: criteria provided, single submitter. Criteria: GeneDx Variant Classification Process June 2021. Collection method: clinical testing. Allele origin: germline. Affected: yes.
Comment: Has not been previously published as pathogenic or benign to our knowledge; Not observed in large population cohorts (Lek et al., 2016); In silico analysis supports that this missense variant does not alter protein structure/function

NM_001164508.2(NEB):c.6276A>T (p.Gln2092His)

Gene: NEB (nebulin; minus strand). Cytogenetic location: 2q23.3.
Variant type: single nucleotide variant.
Coding change: c.6276A>T on transcript NM_001164508.2 (MANE Select); coding-DNA position 6276, A replaced by T.
Protein change: p.Gln2092His; replaces glutamine 2092 with histidine.
Molecular consequence: missense variant.
Genome position (GRCh38, 1-based): chr2:151,656,372, T>A on the plus strand (A>T on the coding strand, the complement: NEB is on the minus strand). VCF-style: chr2-151656372-T-A. GRCh37 (hg19) VCF-style: chr2-152512886-T-A.
Other names: c.6276A>T, p.Gln2092His (NM_001164507.2, NM_001271208.2, NM_004543.5); short protein forms Q2092H.
Identifiers: ClinVar variation 1327161 (VCV001327161.2), dbSNP rs2099085536, ClinGen allele CA348800019.
Genomic context (GRCh38, chr2:151,656,372, plus strand): 5'-GCTGGTCTTTGTGTTCTCATAGTTTTTCTTGTACTCCCGATCAGATTGCATCTTAGCCAC[T>A]TGCATGGAATGGACTAATTTGGGATCATCCTCGAGACTGCGGAAACCAACCATTTTCCCC-3'
Protein context (NP_001157980.2, residues 2082-2102): EDDPKLVHSM[Gln2092His]VAKMQSDREY